The following is an entry in ClinVar:

NM_001256864.2(DNAJC6):c.666+1G>A

Gene: DNAJC6 (DnaJ heat shock protein family (Hsp40) member C6; plus strand). Cytogenetic location: 1p31.3.
Variant type: single nucleotide variant.
Coding change: c.666+1G>A on transcript NM_001256864.2 (MANE Select); the canonical splice donor site of the intron after coding-DNA position 666, G replaced by A.
Molecular consequence: splice donor variant.
Genome position (GRCh38, 1-based): chr1:65,379,525, G>A. VCF-style: chr1-65379525-G-A. GRCh37 (hg19) VCF-style: chr1-65845208-G-A.
Other names: c.456+1G>A (NM_001256865.2); c.495+1G>A (NM_014787.4).
Identifiers: ClinVar variation 2096560 (VCV002096560.4), dbSNP rs2525233935, ClinGen allele CA340679921.

ClinVar aggregate classification (germline): Likely pathogenic (1 of 4 stars; one submission).

Conditions:
Juvenile onset Parkinson disease 19A. Also called: PARK19; DNAJC6 Parkinson Disease. Identifiers: Orphanet 391411, MedGen C3809811, MONDO:0014231, OMIM 615528.

Submission:

Labcorp Genetics (formerly Invitae), Labcorp
Classification: Likely pathogenic for Juvenile onset Parkinson disease 19A. Last evaluated: 2024-02-24. Review status: criteria provided, single submitter. Criteria: Invitae Variant Classification Sherloc (09022015). Collection method: clinical testing. Allele origin: germline.
Comment: This sequence change affects a donor splice site in intron 5 of the DNAJC6 gene. It is expected to disrupt RNA splicing. Variants that disrupt the donor or acceptor splice site typically lead to a loss of protein function (PMID: 16199547), and loss-of-function variants in DNAJC6 are known to be pathogenic (PMID: 22563501, 23211418, 26528954). This variant is not present in population databases (gnomAD no frequency). This variant has not been reported in the literature in individuals affected with DNAJC6-related conditions. ClinVar contains an entry for this variant (Variation ID: 2096560). Algorithms developed to predict the effect of sequence changes on RNA splicing suggest that this variant may disrupt the consensus splice site. In summary, the currently available evidence indicates that the variant is pathogenic, but additional data are needed to prove that conclusively. Therefore, this variant has been classified as Likely Pathogenic.

Literature cited by the submitters: PubMed 16199547; PubMed 22563501; PubMed 23211418; PubMed 26528954.